The following is an entry in ClinVar:

ClinVar aggregate classification (germline): Benign (1 of 4 stars; one submission).

Submission:

GeneDx
Classification: Benign. Last evaluated: 2014-03-20. Review status: criteria provided, single submitter. Criteria: GeneDx Variant Classification (06012015). Collection method: clinical testing. Allele origin: germline.
Comment: The variant is found in POF panel(s).

NM_001004311.3:c.+7A>G

Gene: FIGLA (folliculogenesis specific bHLH transcription factor; minus strand). Cytogenetic location: 2p13.3.
Variant type: single nucleotide variant.
Identifiers: ClinVar variation 137379 (VCV000137379.1).